The following is an entry in ClinVar:

ClinVar aggregate classification (germline): Uncertain significance (1 of 4 stars; one submission).

Conditions:
MEGF10-related myopathy (CMYO10A). Also called: Congenital myopathy 10A, severe variant. Identifiers: Orphanet 439212, MedGen C3280679, MONDO:0013731, OMIM 614399.

Allele frequency attached by ClinVar (database versions not stated): ExAC 0.00001; gnomAD 0.00001; gnomAD exomes 0.00001 and 0.00002; TOPMed 0.00001; 1000 Genomes Project 0.00020; 1000 Genomes Project 30x 0.00031.
gnomAD v4.1: 27 of 1,613,992 alleles (0.0017%); highest among the groups gnomAD compares: African/African-American, 0.0027%; no homozygotes.

Submission:

Labcorp Genetics (formerly Invitae), Labcorp
Classification: Uncertain significance for MEGF10-related myopathy. Last evaluated: 2022-03-09. Review status: criteria provided, single submitter. Criteria: Invitae Variant Classification Sherloc (09022015). Collection method: clinical testing. Allele origin: germline.
Comment: In summary, the available evidence is currently insufficient to determine the role of this variant in disease. Therefore, it has been classified as a Variant of Uncertain Significance. This sequence change replaces glutamic acid, which is acidic and polar, with lysine, which is basic and polar, at codon 270 of the MEGF10 protein (p.Glu270Lys). This variant is present in population databases (rs201393832, gnomAD 0.006%). This variant has not been reported in the literature in individuals affected with MEGF10-related conditions. ClinVar contains an entry for this variant (Variation ID: 1062766). Algorithms developed to predict the effect of missense changes on protein structure and function (SIFT, PolyPhen-2, Align-GVGD) all suggest that this variant is likely to be tolerated.

NM_001256545.2(MEGF10):c.808G>A (p.Glu270Lys)

Gene: MEGF10 (multiple EGF like domains 10; plus strand). Cytogenetic location: 5q23.2.
Variant type: single nucleotide variant.
Coding change: c.808G>A on transcript NM_001256545.2 (MANE Select); coding-DNA position 808, G replaced by A.
Protein change: p.Glu270Lys; replaces glutamic acid 270 with lysine.
Molecular consequence: missense variant.
Genome position (GRCh38, 1-based): chr5:127,402,573, G>A. VCF-style: chr5-127402573-G-A. GRCh37 (hg19) VCF-style: chr5-126738265-G-A.
Other names: c.808G>A, p.Glu270Lys (NM_001308119.2, NM_001308121.2, NM_032446.3); short protein forms E270K.
Identifiers: ClinVar variation 1062766 (VCV001062766.9), dbSNP rs201393832, ClinGen allele CA3391411.
Genomic context (GRCh38, chr5:127,402,573, plus strand): 5'-CCCATCTAATTTTCCAAGTCTCTTTGAATGCAGGGCACAGTGTGTGGTCAGCCTTGCCCC[G>A]AGGGTCGCTTTGGAAAGAACTGTTCCCAAGAATGCCAGTGCCATAATGGAGGGACGTGTG-3'
Protein context (NP_001243474.1, residues 260-280): MGTVCGQPCP[Glu270Lys]GRFGKNCSQE